The following is an entry in ClinVar:

ClinVar aggregate classification (germline): Pathogenic (1 of 4 stars; one submission).

Submission:

Labcorp Genetics (formerly Invitae), Labcorp
Classification: Pathogenic. Last evaluated: 2024-06-25. Review status: criteria provided, single submitter. Criteria: Invitae Variant Classification Sherloc (09022015). Collection method: clinical testing. Allele origin: germline.
Comment: This sequence change affects a donor splice site in intron 12 of the ABCA4 gene. It is expected to disrupt RNA splicing. Variants that disrupt the donor or acceptor splice site typically lead to a loss of protein function (PMID: 16199547), and loss-of-function variants in ABCA4 are known to be pathogenic (PMID: 10958761, 24938718, 25312043, 26780318). This variant is not present in population databases (gnomAD no frequency). Disruption of this splice site has been observed in individual(s) with Stargardt disease (PMID: 23953153). Algorithms developed to predict the effect of sequence changes on RNA splicing suggest that this variant may disrupt the consensus splice site. For these reasons, this variant has been classified as Pathogenic.

Literature cited by the submitters: PubMed 16199547; PubMed 10958761; PubMed 24938718; PubMed 25312043; PubMed 26780318; PubMed 23953153.

NM_000350.3(ABCA4):c.1760+1G>A

Gene: ABCA4 (ATP binding cassette subfamily A member 4; minus strand). Cytogenetic location: 1p22.1.
Variant type: single nucleotide variant.
Coding change: c.1760+1G>A on transcript NM_000350.3 (MANE Select); the canonical splice donor site of the intron after coding-DNA position 1760, G replaced by A.
Molecular consequence: splice donor variant.
Genome position (GRCh38, 1-based): chr1:94,063,111, C>T on the plus strand (G>A on the coding strand, the complement: ABCA4 is on the minus strand). VCF-style: chr1-94063111-C-T. GRCh37 (hg19) VCF-style: chr1-94528667-C-T.
Identifiers: ClinVar variation 2907287 (VCV002907287.3), dbSNP rs2523843294, ClinGen allele CA341279861.